The following is an entry in ClinVar:

ClinVar aggregate classification (germline): Uncertain significance (1 of 4 stars; one submission).

Conditions:
Hermansky-Pudlak syndrome 2 (HPS2). Also called: Platelet defects and oculocutaneous albinism. Identifiers: Orphanet 183678, Orphanet 79430, MedGen C1842362, MONDO:0011997, OMIM 608233.

Submission:

Labcorp Genetics (formerly Invitae), Labcorp
Classification: Uncertain significance for Hermansky-Pudlak syndrome 2. Last evaluated: 2018-12-04. Review status: criteria provided, single submitter. Criteria: Invitae Variant Classification Sherloc (09022015). Collection method: clinical testing. Allele origin: germline.
Comment: In summary, the available evidence is currently insufficient to determine the role of this variant in disease. Therefore, it has been classified as a Variant of Uncertain Significance. This variant has not been reported in the literature in individuals with AP3B1-related conditions. This variant results in a copy number gain of the genomic region encompassing exons 1-3 of the AP3B1 gene. The 5' end of this event is unknown as it extends beyond the assayed region for this gene and therefore may encompass additional genes. The 3' boundary is likely confined to intron 3 of the AP3B1 gene. As the precise location of this event is unknown, it may be in tandem or it may be located elsewhere in the genome.

NC_000005.9:g.(?_77536666)_(77590423_?)dup

Gene: AP3B1 (adaptor related protein complex 3 subunit beta 1; minus strand). Cytogenetic location: 5q14.1.
Variant type: Duplication.
Identifiers: ClinVar variation 644831 (VCV000644831.6).